The following is an entry in ClinVar:

NM_003664.5(AP3B1):c.725T>C (p.Val242Ala)

Gene: AP3B1 (adaptor related protein complex 3 subunit beta 1; minus strand). Cytogenetic location: 5q14.1.
Variant type: single nucleotide variant.
Coding change: c.725T>C on transcript NM_003664.5 (MANE Select); coding-DNA position 725, T replaced by C.
Protein change: p.Val242Ala; replaces valine 242 with alanine.
Molecular consequence: missense variant.
Genome position (GRCh38, 1-based): chr5:78,216,116, A>G on the plus strand (T>C on the coding strand, the complement: AP3B1 is on the minus strand). VCF-style: chr5-78216116-A-G. GRCh37 (hg19) VCF-style: chr5-77511940-A-G.
Other names: c.578T>C, p.Val193Ala (NM_001271769.2); short protein forms V193A, V242A.
Identifiers: ClinVar variation 1040183 (VCV001040183.10), dbSNP rs1580498432, ClinGen allele CA360190834.
Genomic context (GRCh38, chr5:78,216,116, plus strand): 5'-TCTTTCCAAGGGCTGACAAACTGTGTCCGAGCATATCGAGTTAGCATGTGGATTATGACA[A>G]CCTGCCCCCACTCTTCAACATCCACTAGTAAGTTACATAGCTTGCGGTAATTTTTATGAA-3'
Protein context (NP_003655.3, residues 232-252): LLVDVEEWGQ[Val242Ala]VIIHMLTRYA

ClinVar aggregate classification (germline): Uncertain significance (1 of 4 stars; one submission).

Conditions:
Hermansky-Pudlak syndrome 2 (HPS2). Also called: Platelet defects and oculocutaneous albinism. Identifiers: Orphanet 183678, Orphanet 79430, MedGen C1842362, MONDO:0011997, OMIM 608233.

Submission:

Labcorp Genetics (formerly Invitae), Labcorp
Classification: Uncertain significance for Hermansky-Pudlak syndrome 2. Last evaluated: 2022-03-15. Review status: criteria provided, single submitter. Criteria: Invitae Variant Classification Sherloc (09022015). Collection method: clinical testing. Allele origin: germline.
Comment: In summary, the available evidence is currently insufficient to determine the role of this variant in disease. Therefore, it has been classified as a Variant of Uncertain Significance. Algorithms developed to predict the effect of missense changes on protein structure and function (SIFT, PolyPhen-2, Align-GVGD) all suggest that this variant is likely to be tolerated. ClinVar contains an entry for this variant (Variation ID: 1040183). This variant has not been reported in the literature in individuals affected with AP3B1-related conditions. This variant is not present in population databases (gnomAD no frequency). This sequence change replaces valine, which is neutral and non-polar, with alanine, which is neutral and non-polar, at codon 242 of the AP3B1 protein (p.Val242Ala).